The following is an entry in ClinVar:

ClinVar aggregate classification (germline): Uncertain significance (1 of 4 stars; one submission).

Submission:

Labcorp Genetics (formerly Invitae), Labcorp
Classification: Uncertain significance. Last evaluated: 2024-01-29. Review status: criteria provided, single submitter. Criteria: Invitae Variant Classification Sherloc (09022015). Collection method: clinical testing. Allele origin: germline.
Comment: This sequence change replaces lysine, which is basic and polar, with glutamic acid, which is acidic and polar, at codon 9 of the RTTN protein (p.Lys9Glu). This variant is not present in population databases (gnomAD no frequency). This variant has not been reported in the literature in individuals affected with RTTN-related conditions. Advanced modeling of protein sequence and biophysical properties (such as structural, functional, and spatial information, amino acid conservation, physicochemical variation, residue mobility, and thermodynamic stability) performed at Invitae indicates that this missense variant is expected to disrupt RTTN protein function with a positive predictive value of 80%. In summary, the available evidence is currently insufficient to determine the role of this variant in disease. Therefore, it has been classified as a Variant of Uncertain Significance.

NM_173630.4(RTTN):c.25A>G (p.Lys9Glu)

Gene: RTTN (rotatin; minus strand). Cytogenetic location: 18q22.2.
Variant type: single nucleotide variant.
Coding change: c.25A>G on transcript NM_173630.4 (MANE Select); coding-DNA position 25, A replaced by G.
Protein change: p.Lys9Glu; replaces lysine 9 with glutamic acid.
Molecular consequence: missense variant. On other transcripts: 5 prime UTR variant (1).
Genome position (GRCh38, 1-based): chr18:70,205,634, T>C on the plus strand (A>G on the coding strand, the complement: RTTN is on the minus strand). VCF-style: chr18-70205634-T-C. GRCh37 (hg19) VCF-style: chr18-67872870-T-C.
Other names: c.-2529A>G (NM_001318520.2); short protein forms K9E.
Identifiers: ClinVar variation 2818612 (VCV002818612.3), dbSNP rs2513109969, ClinGen allele CA402693222.
Genomic context (GRCh38, chr18:70,205,634, plus strand): 5'-GCAAGTGGCCAGAGCGCGGGGGGTGCCTTGGGCGAGGGGCAAGCTGACAGTTACCGAGTT[T>C]CCTGATGAGCCCTGCCAGGACCATCTCGTCCCGTCAATCTGCAGCCGCCGGAGAATTAAA-3'
Protein context (NP_775901.3, residues 1-19): MVLAGLIR[Lys9Glu]LGHQLAEIRE